The following is an entry in ClinVar:

NM_130797.4(DPP6):c.1964C>T (p.Ala655Val)

Gene: DPP6 (dipeptidyl peptidase like 6; plus strand). Cytogenetic location: 7q36.2.
Variant type: single nucleotide variant.
Coding change: c.1964C>T on transcript NM_130797.4 (MANE Select); coding-DNA position 1964, C replaced by T.
Protein change: p.Ala655Val; replaces alanine 655 with valine.
Molecular consequence: missense variant. On other transcripts: non-coding transcript variant (2).
Genome position (GRCh38, 1-based): chr7:154,875,986, C>T. VCF-style: chr7-154875986-C-T. GRCh37 (hg19) VCF-style: chr7-154667696-C-T.
Other names: c.1772C>T, p.Ala591Val (NM_001039350.3); c.1643C>T, p.Ala548Val (NM_001290252.2); c.1781C>T, p.Ala594Val (NM_001364497.2, NM_001364498.2, NM_001364499.2 and 1 more transcripts); c.1778C>T, p.Ala593Val (NM_001936.5); short protein forms A548V, A591V, A593V, A594V, A655V.
Identifiers: ClinVar variation 2658271 (VCV002658271.24), dbSNP rs539094310, ClinGen allele CA4583745.
Genomic context (GRCh38, chr7:154,875,986, plus strand): 5'-AGAGTGTGGCTGAGAAGTTCGAGGTGAGCTGGGAGACGGTGATGGTGAGCAGCCACGGCG[C>T]GGTGGTGGTAAAGTGTGACGGCCGTGGCAGCGGCTTCCAAGGGACCAAGCTCCTGCACGA-3'
Protein context (NP_570629.2, residues 645-665): WETVMVSSHG[Ala655Val]VVVKCDGRGS

ClinVar aggregate classification (germline): Likely benign (1 of 4 stars; one submission).

Allele frequency attached by ClinVar (database versions not stated): TOPMed 0.00004; gnomAD 0.00005; ExAC 0.00008; 1000 Genomes Project 30x 0.00016; 1000 Genomes Project 0.00020.
gnomAD v4.1: 52 of 1,613,586 alleles (0.0032%); highest among the groups gnomAD compares: East Asian, 0.058%; no homozygotes.

Submission:

CeGaT Center for Human Genetics Tuebingen
Classification: Likely benign. Last evaluated: 2022-07-01. Review status: criteria provided, single submitter. Criteria: CeGaT Center For Human Genetics Tuebingen Variant Classification Criteria Version 2. Collection method: clinical testing. Allele origin: germline. Affected: yes. Observed: 1 variant allele.
Comment: DPP6: BP4